The following is an entry in ClinVar:

ClinVar aggregate classification (germline): Uncertain significance (1 of 4 stars; one submission).

Submission:

GeneDx
Classification: Uncertain significance. Last evaluated: 2024-06-07. Review status: criteria provided, single submitter. Criteria: GeneDx Variant Classification Process June 2021. Collection method: clinical testing. Allele origin: germline. Affected: yes.
Comment: Not observed at significant frequency in large population cohorts (gnomAD); In silico analysis supports that this missense variant has a deleterious effect on protein structure/function; Has not been previously published as pathogenic or benign to our knowledge

NM_181303.2(NLGN3):c.1582C>A (p.Pro528Thr)

Gene: NLGN3 (neuroligin 3; plus strand). Cytogenetic location: Xq13.1.
Variant type: single nucleotide variant.
Coding change: c.1582C>A on transcript NM_181303.2 (MANE Select); coding-DNA position 1582, C replaced by A.
Protein change: p.Pro528Thr; replaces proline 528 with threonine.
Molecular consequence: missense variant.
Genome position (GRCh38, 1-based): chrX:71,167,679, C>A. VCF-style: chrX-71167679-C-A. GRCh37 (hg19) VCF-style: chrX-70387529-C-A.
Other names: c.1462C>A, p.Pro488Thr (NM_001166660.2); c.1171C>A, p.Pro391Thr (NM_001321276.2); c.1522C>A, p.Pro508Thr (NM_018977.4); short protein forms P391T, P488T, P508T, P528T.
Identifiers: ClinVar variation 3384647 (VCV003384647.1).
Genomic context (GRCh38, chrX:71,167,679, plus strand): 5'-CATCACTGCCAGAGCCTCATGAAGCCTGCTTGGTCAGATGCAGCTCATGGGGATGAAGTA[C>A]CCTATGTTTTTGGGGTTCCTATGGTAGGCCCCACTGACCTTTTCCCCTGCAACTTCTCCA-3'
Protein context (NP_851820.1, residues 518-538): WSDAAHGDEV[Pro528Thr]YVFGVPMVGP